The following is an entry in ClinVar:

ClinVar aggregate classification (germline): Conflicting classifications of pathogenicity. Review status: criteria provided, conflicting classifications (1 of 4 stars). 2 submissions from 2 submitters: Uncertain significance (1); Likely benign (1). Last evaluated 2025-01-07.

Conditions:
Gastrointestinal stromal tumor. Also called: Gastrointestinal stroma tumor; Gastrointestinal stromal tumor, somatic. Identifiers: Orphanet 44890, MedGen C0238198, MeSH D046152, MONDO:0011719, OMIM 606764, HP:0100723.
Hereditary cancer-predisposing syndrome. Also called: Tumor predisposition; Hereditary Cancer Syndrome; Hereditary neoplastic syndrome; Neoplastic Syndromes, Hereditary. Identifiers: Orphanet 140162, MedGen C0027672, MeSH D009386, MONDO:0015356.

Allele frequency attached by ClinVar (database versions not stated): gnomAD exomes below 0.00001; TOPMed below 0.00001.

Submissions (2):

Ambry Genetics
Classification: Likely benign for Hereditary cancer-predisposing syndrome. Last evaluated: 2025-01-07. Review status: criteria provided, single submitter. Criteria: Ambry Variant Classification Scheme 2023. Collection method: clinical testing. Allele origin: germline.

Labcorp Genetics (formerly Invitae), Labcorp
Classification: Uncertain significance for Gastrointestinal stromal tumor. Last evaluated: 2022-10-05. Review status: criteria provided, single submitter. Criteria: Invitae Variant Classification Sherloc (09022015). Collection method: clinical testing. Allele origin: germline.
Comment: This variant has not been reported in the literature in individuals affected with KIT-related conditions. In summary, the available evidence is currently insufficient to determine the role of this variant in disease. Therefore, it has been classified as a Variant of Uncertain Significance. Algorithms developed to predict the effect of missense changes on protein structure and function output the following: SIFT: "Tolerated"; PolyPhen-2: "Benign"; Align-GVGD: "Class C0". The serine amino acid residue is found in multiple mammalian species, which suggests that this missense change does not adversely affect protein function. ClinVar contains an entry for this variant (Variation ID: 1425797). This variant is not present in population databases (gnomAD no frequency). This sequence change replaces asparagine, which is neutral and polar, with serine, which is neutral and polar, at codon 512 of the KIT protein (p.Asn512Ser).

NM_000222.3(KIT):c.1535A>G (p.Asn512Ser)

Gene: KIT (KIT proto-oncogene, receptor tyrosine kinase; plus strand). Cytogenetic location: 4q12.
Variant type: single nucleotide variant.
Coding change: c.1535A>G on transcript NM_000222.3 (MANE Select); coding-DNA position 1535, A replaced by G.
Protein change: p.Asn512Ser; replaces asparagine 512 with serine.
Molecular consequence: missense variant. On other transcripts: intron variant (4).
Genome position (GRCh38, 1-based): chr4:54,726,045, A>G. VCF-style: chr4-54726045-A-G. GRCh37 (hg19) VCF-style: chr4-55592211-A-G.
Other names: c.1528+7A>G (NM_001385286.1, NM_001093772.2); c.1538A>G, p.Asn513Ser (NM_001385284.1, NM_001385290.1); c.1535A>G, p.Asn512Ser (NM_001385285.1); c.1531+7A>G (NM_001385288.1, NM_001385292.1); c.1535A>G (NM_000222.2); short protein forms N513S, N512S.
Identifiers: ClinVar variation 1425797 (VCV001425797.7), dbSNP rs1354751133, ClinGen allele CA356906739.